The following is an entry in ClinVar:

ClinVar aggregate classification (germline): Uncertain significance (1 of 4 stars; one submission).

Conditions:
Hereditary cancer-predisposing syndrome. Also called: Hereditary Cancer Syndrome; Hereditary neoplastic syndrome; Neoplastic Syndromes, Hereditary; Tumor predisposition. Identifiers: Orphanet 140162, MedGen C0027672, MeSH D009386, MONDO:0015356.

Submission:

Ambry Genetics
Classification: Uncertain significance for Hereditary cancer-predisposing syndrome. Last evaluated: 2025-08-29. Review status: criteria provided, single submitter. Criteria: Ambry Variant Classification Scheme 2023. Collection method: clinical testing. Allele origin: germline.
Comment: The c.3029delA variant, located in coding exon 19 of the BRIP1 gene, results from a deletion of one nucleotide at nucleotide position 3029, causing a translational frameshift with a predicted alternate stop codon (p.Q1010Rfs*49). This alteration occurs at the 3' terminus of theBRIP1 gene, is not expected to trigger nonsense-mediated mRNAdecay, and impacts the last 19% of the protein. The exact functional effect of this alteration is unknown. Based on the available evidence, the clinical significance of this variant remains unclear.

NM_032043.3(BRIP1):c.3029del (p.Gln1010fs)

Gene: BRIP1 (BRCA1 interacting DNA helicase 1; minus strand). Cytogenetic location: 17q23.2.
Variant type: Deletion.
Coding change: c.3029del on transcript NM_032043.3 (MANE Select); coding-DNA position 3029, one base deleted (A; older notation c.3029delA).
Protein change: p.Gln1010fs; shifts the reading frame from glutamine 1010.
Molecular consequence: frameshift variant.
Genome position (GRCh38, 1-based): chr17:61,684,017, T deleted on the plus strand (A on the coding strand, the reverse complement: BRIP1 is on the minus strand). VCF-style (leftmost placement, unchanged base first): chr17-61684016-CT-C. GRCh37 (hg19) VCF-style: chr17-59761377-CT-C.
Other names: short protein forms Q1010fs.
Identifiers: ClinVar variation 4216272 (VCV004216272.1).